The following is an entry in ClinVar:

NM_004527.4(MEOX1):c.736del (p.Asp246fs)

Gene: MEOX1 (mesenchyme homeobox 1; minus strand). Cytogenetic location: 17q21.31.
Variant type: Deletion.
Coding change: c.736del on transcript NM_004527.4 (MANE Select); coding-DNA position 736, one base deleted (G; older notation c.736delG).
Protein change: p.Asp246fs; shifts the reading frame from aspartic acid 246.
Molecular consequence: frameshift variant. On other transcripts: 3 prime UTR variant (1).
Genome position (GRCh38, 1-based): chr17:43,641,939, C deleted on the plus strand (G on the coding strand, the reverse complement: MEOX1 is on the minus strand); the first of 4 consecutive C bases (chr17:43,641,939-43,641,942); deleting any one gives the same sequence. VCF-style (leftmost placement, unchanged base first): chr17-43641938-TC-T. GRCh37 (hg19) VCF-style: chr17-41719306-TC-T.
Other names: c.391del, p.Asp131fs (NM_001040002.2); c.*8del (NM_013999.4); short protein forms D246fs, D131fs.
Identifiers: ClinVar variation 2008990 (VCV002008990.4), dbSNP rs2544287112, ClinGen allele CA2580093818.
Genomic context (GRCh38, chr17:43,641,938, plus strand): 5'-AGTCCTTAGTCATTTTTCCTCCATGCAGAATCTCACTCTGAACTTGGAGAGGCTGTGGAG[TC>T]CCCATCCTCAGGGTCCTGCCCATTGGGGGAGATGGGCTGACCTCCCTTCACACGCTTCCA-3'

ClinVar aggregate classification (germline): Uncertain significance (1 of 4 stars; one submission).

Submission:

Labcorp Genetics (formerly Invitae), Labcorp
Classification: Uncertain significance. Last evaluated: 2024-12-16. Review status: criteria provided, single submitter. Criteria: Invitae Variant Classification Sherloc (09022015). Collection method: clinical testing. Allele origin: germline.
Comment: This sequence change results in a frameshift in the MEOX1 gene (p.Asp246Thrfs*21). While this is not anticipated to result in nonsense mediated decay, it is expected to disrupt the last 9 amino acid(s) of the MEOX1 protein and extend the protein by 11 additional amino acid residues. This variant is not present in population databases (gnomAD no frequency). This variant has not been reported in the literature in individuals affected with MEOX1-related conditions. ClinVar contains an entry for this variant (Variation ID: 2008990). Experimental studies and prediction algorithms are not available or were not evaluated, and the functional significance of this variant is currently unknown. In summary, the available evidence is currently insufficient to determine the role of this variant in disease. Therefore, it has been classified as a Variant of Uncertain Significance.